The following is an entry in ClinVar:

NM_015443.4(KANSL1):c.2810G>A (p.Ser937Asn)

Gene: KANSL1 (KAT8 regulatory NSL complex subunit 1). Cytogenetic location: 17q21.31.
Variant type: single nucleotide variant.
Coding change: c.2810G>A on transcript NM_015443.4 (MANE Select); coding-DNA position 2810, G replaced by A.
Protein change: p.Ser937Asn; replaces serine 937 with asparagine.
Molecular consequence: missense variant.
Genome position (GRCh38, 1-based): chr17:46,033,107, C>T on the plus strand (G>A on the coding strand, the complement: KANSL1 is on the minus strand). VCF-style: chr17-46033107-C-T. GRCh37 (hg19) VCF-style: chr17-44110473-C-T.
Other names: c.2807G>A, p.Ser936Asn (NM_001193465.2, NM_001405856.1, NM_001405857.1 and 1 more transcripts); c.2810G>A, p.Ser937Asn (NM_001193466.2, NM_001379198.1, NM_001405854.1 and 4 more transcripts); c.2708G>A, p.Ser903Asn (NM_001405859.1, NM_001405860.1); c.2705G>A, p.Ser902Asn (NM_001405861.1, NM_001405881.1); c.2621G>A, p.Ser874Asn (NM_001405875.1, NM_001405876.1, NM_001405877.1 and 1 more transcripts); c.2618G>A, p.Ser873Asn (NM_001405879.1, NM_001405880.1); c.1544G>A, p.Ser515Asn (NM_001405882.1); c.1541G>A, p.Ser514Asn (NM_001405883.1); and 2 more; short protein forms S515N, S903N, S936N, S873N, S451N, S514N, S902N, S452N.
Identifiers: ClinVar variation 3582162 (VCV003582162.3).
Genomic context (GRCh38, chr17:46,033,107, plus strand): 5'-ACAGGCCCTGGGGACCCAAGCCTGCCCCATCACCTGCTGCCCCGCCGCTGGGGTGGCACA[C>T]TCGTGGTCCACAGCCACCGTGCCCTCTCCATCTCCTCACATTTGGCATGCAGGGCGGCGA-3'
Protein context (NP_056258.1, residues 927-947): MERARWLWTT[Ser937Asn]VPPQRRGSRS

ClinVar aggregate classification (germline): Uncertain significance. Review status: criteria provided, multiple submitters, no conflicts (2 of 4 stars). 2 submissions from 2 submitters: Uncertain significance (2). Last evaluated 2024-07-30.

Conditions:
Koolen-de Vries syndrome (KDVS). Identifiers: Orphanet 96169, MedGen C1864871, MONDO:0012496, OMIM 610443.

gnomAD v4.1: 7 of 1,597,530 alleles (0.00044%); highest among the groups gnomAD compares: African/African-American, 0.0054%; no homozygotes.

Submissions (2):

Labcorp Genetics (formerly Invitae), Labcorp
Classification: Uncertain significance for Koolen-de Vries syndrome. Last evaluated: 2024-07-30. Review status: criteria provided, single submitter. Criteria: Invitae Variant Classification Sherloc (09022015). Collection method: clinical testing. Allele origin: germline.
Comment: This sequence change replaces serine, which is neutral and polar, with asparagine, which is neutral and polar, at codon 937 of the KANSL1 protein (p.Ser937Asn). The frequency data for this variant in the population databases is considered unreliable, as metrics indicate poor data quality at this position in the gnomAD database. This variant has not been reported in the literature in individuals affected with KANSL1-related conditions. Advanced modeling of protein sequence and biophysical properties (such as structural, functional, and spatial information, amino acid conservation, physicochemical variation, residue mobility, and thermodynamic stability) performed at Invitae indicates that this missense variant is not expected to disrupt KANSL1 protein function with a negative predictive value of 80%. In summary, the available evidence is currently insufficient to determine the role of this variant in disease. Therefore, it has been classified as a Variant of Uncertain Significance.

Fulgent Genetics
Classification: Uncertain significance for Koolen-de Vries syndrome. Last evaluated: 2024-06-14. Review status: criteria provided, single submitter. Criteria: ACMG Guidelines, 2015. Collection method: clinical testing. Allele origin: germline.